The following is an entry in ClinVar:

ClinVar aggregate classification (germline): Uncertain significance (1 of 4 stars; one submission).

Conditions:
Developmental and epileptic encephalopathy, 1 (DEE1). Also called: X-linked infantile spasms; West's syndrome; Tonic spasms with clustering, arrest of psychomotor development and hypsarrhythmia on EEG; X-Linked Infantile Spasm Syndrome; OHTAHARA SYNDROME, X-LINKED; INFANTILE SPASM SYNDROME, X-LINKED 1. Identifiers: MedGen C3463992, MONDO:0010632, OMIM 308350. Disease mechanism: loss of function.
Autosomal recessive spinocerebellar ataxia 12. Also called: SPINOCEREBELLAR ATAXIA WITH MENTAL RETARDATION AND EPILEPSY. Identifiers: Orphanet 284282, MedGen C3280452, MONDO:0013687, OMIM 614322.

gnomAD v4.1: 5 of 1,614,186 alleles (0.00031%); highest among the groups gnomAD compares: South Asian, 0.0055%; no homozygotes.

Submission:

Labcorp Genetics (formerly Invitae), Labcorp
Classification: Uncertain significance for Developmental and epileptic encephalopathy, 1; Autosomal recessive spinocerebellar ataxia 12. Last evaluated: 2022-07-29. Review status: criteria provided, single submitter. Criteria: Invitae Variant Classification Sherloc (09022015). Collection method: clinical testing. Allele origin: germline.
Comment: This sequence change replaces leucine, which is neutral and non-polar, with valine, which is neutral and non-polar, at codon 298 of the WWOX protein (p.Leu298Val). This variant is present in population databases (rs371364838, gnomAD 0.006%). This variant has not been reported in the literature in individuals affected with WWOX-related conditions. Algorithms developed to predict the effect of missense changes on protein structure and function are either unavailable or do not agree on the potential impact of this missense change (SIFT: "Not Available"; PolyPhen-2: "Probably Damaging"; Align-GVGD: "Not Available"). In summary, the available evidence is currently insufficient to determine the role of this variant in disease. Therefore, it has been classified as a Variant of Uncertain Significance.

NM_016373.4(WWOX):c.892C>G (p.Leu298Val)

Gene: WWOX (WW domain containing oxidoreductase; plus strand). Cytogenetic location: 16q23.1.
Variant type: single nucleotide variant.
Coding change: c.892C>G on transcript NM_016373.4 (MANE Select); coding-DNA position 892, C replaced by G.
Protein change: p.Leu298Val; replaces leucine 298 with valine.
Molecular consequence: missense variant.
Genome position (GRCh38, 1-based): chr16:78,432,588, C>G. VCF-style: chr16-78432588-C-G. GRCh37 (hg19) VCF-style: chr16-78466485-C-G.
Other names: c.553C>G, p.Leu185Val (NM_001291997.2); short protein forms L185V, L298V.
Identifiers: ClinVar variation 1959880 (VCV001959880.2), dbSNP rs371364838, ClinGen allele CA8183540.